The following is an entry in ClinVar:

NM_004656.4(BAP1):c.998A>T (p.Lys333Met)

Gene: BAP1 (BRCA1 associated deubiquitinase 1; minus strand). Cytogenetic location: 3p21.1.
Variant type: single nucleotide variant.
Coding change: c.998A>T on transcript NM_004656.4 (MANE Select); coding-DNA position 998, A replaced by T.
Protein change: p.Lys333Met; replaces lysine 333 with methionine.
Molecular consequence: missense variant.
Genome position (GRCh38, 1-based): chr3:52,405,228, T>A on the plus strand (A>T on the coding strand, the complement: BAP1 is on the minus strand). VCF-style: chr3-52405228-T-A. GRCh37 (hg19) VCF-style: chr3-52439244-T-A.
Other names: short protein forms K333M.
Identifiers: ClinVar variation 923968 (VCV000923968.12), dbSNP rs774251645, ClinGen allele CA353106032.
Genomic context (GRCh38, chr3:52,405,228, plus strand): 5'-ATGGGAGTGGGGTTGGGGTGAACCCCATTGAGGCTGCTGCCTGGAGGCTTCACCACTAGC[T>A]TGGGTTTGTTGGGAGGGCTGTGGGATGGGGCTTGTGCGCATGAACCAGCCGCCTCCTCTG-3'
Protein context (NP_004647.1, residues 323-343): APSHSPPNKP[Lys333Met]LVVKPPGSSL

ClinVar aggregate classification (germline): Conflicting classifications of pathogenicity. Review status: criteria provided, conflicting classifications (1 of 4 stars). 3 submissions from 3 submitters: Uncertain significance (2); Likely benign (1). Last evaluated 2026-09-04.

Conditions:
BAP1-related tumor predisposition syndrome (TPDS1). Also called: BAP1 tumor predisposition syndrome; COMMON Syndrome; TUMOR PREDISPOSITION SYNDROME 1; Tumor susceptibility linked to germline BAP1 mutations. Identifiers: Orphanet 289539, MedGen C3280492, MONDO:0013692, OMIM 614327.
Hereditary cancer-predisposing syndrome. Also called: Neoplastic Syndromes, Hereditary; Hereditary Cancer Syndrome; Tumor predisposition; Hereditary neoplastic syndrome. Identifiers: Orphanet 140162, MedGen C0027672, MeSH D009386, MONDO:0015356.

Allele frequency attached by ClinVar (database versions not stated): gnomAD exomes below 0.00001.
gnomAD v4.1: 3 of 1,613,972 alleles (0.00019%); highest among the groups gnomAD compares: Non-Finnish European, 0.00025%; no homozygotes.

Submissions (3):

Ambry Genetics
Classification: Likely benign for Hereditary cancer-predisposing syndrome. Last evaluated: 2026-09-04. Review status: criteria provided, single submitter. Criteria: Ambry Variant Classification Scheme 2023. Collection method: clinical testing. Allele origin: germline.

Labcorp Genetics (formerly Invitae), Labcorp
Classification: Uncertain significance for BAP1-related tumor predisposition syndrome. Last evaluated: 2025-04-14. Review status: criteria provided, single submitter. Criteria: Invitae Variant Classification Sherloc (09022015). Collection method: clinical testing. Allele origin: germline.
Comment: This sequence change replaces lysine, which is basic and polar, with methionine, which is neutral and non-polar, at codon 333 of the BAP1 protein (p.Lys333Met). This variant is not present in population databases (gnomAD no frequency). This variant has not been reported in the literature in individuals affected with BAP1-related conditions. ClinVar contains an entry for this variant (Variation ID: 923968). Invitae Evidence Modeling of protein sequence and biophysical properties (such as structural, functional, and spatial information, amino acid conservation, physicochemical variation, residue mobility, and thermodynamic stability) indicates that this missense variant is not expected to disrupt BAP1 protein function with a negative predictive value of 80%. In summary, the available evidence is currently insufficient to determine the role of this variant in disease. Therefore, it has been classified as a Variant of Uncertain Significance.

Color Diagnostics, LLC DBA Color Health
Classification: Uncertain significance for Hereditary cancer-predisposing syndrome. Last evaluated: 2023-12-04. Review status: criteria provided, single submitter. Criteria: ACMG Guidelines, 2015. Collection method: clinical testing. Allele origin: germline.
Comment: This missense variant replaces lysine with methionine at codon 333 of the BAP1 protein. Computational prediction suggests that this variant may not impact protein structure and function (internally defined REVEL score threshold <= 0.5, PMID: 27666373). To our knowledge, functional studies have not been reported for this variant. This variant has not been reported in individuals affected with BAP1-related disorders in the literature. This variant has not been identified in the general population by the Genome Aggregation Database (gnomAD). The available evidence is insufficient to determine the role of this variant in disease conclusively. Therefore, this variant is classified as a Variant of Uncertain Significance.

Literature cited by the submitters: PubMed 38969833 (cited by Ambry Genetics).